The following is an entry in ClinVar:

NM_015662.3(IFT172):c.4712T>C (p.Leu1571Pro)

Genes: IFT172 (intraflagellar transport 172; minus strand), KRTCAP3 (keratinocyte associated protein 3; plus strand). Cytogenetic location: 2p23.3.
Variant type: single nucleotide variant.
Coding change: c.4712T>C on transcript NM_015662.3 (MANE Select); coding-DNA position 4712, T replaced by C.
Protein change: p.Leu1571Pro; replaces leucine 1571 with proline.
Molecular consequence: missense variant. On other transcripts: 3 prime UTR variant (1).
Genome position (GRCh38, 1-based): chr2:27,446,303, A>G on the plus strand (T>C on the coding strand, the complement: IFT172 is on the minus strand). VCF-style: chr2-27446303-A-G. GRCh37 (hg19) VCF-style: chr2-27669170-A-G.
Other names: c.*8A>G (NM_001168364.2); c.4646T>C, p.Leu1549Pro (NM_001410739.1); short protein forms L1571P, L1549P.
Identifiers: ClinVar variation 4984904 (VCV004984904.1).

ClinVar aggregate classification (germline): Uncertain significance (1 of 4 stars; one submission).

Conditions:
IFT172-related disorder. Also called: IFT172-related condition; IFT172-related disorders.

Submission:

PreventionGenetics, part of Exact Sciences
Classification: Uncertain significance for IFT172-related condition. Last evaluated: 2026-07-23. Review status: criteria provided, single submitter. Criteria: ACMG Guidelines, 2015. Collection method: clinical testing. Allele origin: germline.
Comment: The IFT172 c.4712T>C variant is predicted to result in the amino acid substitution p.Leu1571Pro. To our knowledge, this variant has not been reported in the literature or in a large population database, indicating this variant is rare. At this time, the clinical significance of this variant is uncertain due to the absence of conclusive functional and genetic evidence.